The following is an entry in ClinVar:

ClinVar aggregate classification (germline): Pathogenic/Likely pathogenic. Review status: criteria provided, multiple submitters, no conflicts (2 of 4 stars). 2 submissions from 2 submitters: Pathogenic (1); Likely pathogenic (1). Last evaluated 2024-12-05.

Conditions:
Stickler syndrome type 1 (STL1). Also called: ARTHROOPHTHALMOPATHY, HEREDITARY PROGRESSIVE; STICKLER SYNDROME, MEMBRANOUS VITREOUS TYPE; STICKLER SYNDROME, VITREOUS TYPE 1; COL2A1-Related Stickler Syndrome. Identifiers: Orphanet 828, Orphanet 90653, MedGen C2020284, MONDO:0007160, OMIM 108300.

Submissions (2):

Labcorp Genetics (formerly Invitae), Labcorp
Classification: Pathogenic. Last evaluated: 2024-12-05. Review status: criteria provided, single submitter. Criteria: Invitae Variant Classification Sherloc (09022015). Collection method: clinical testing. Allele origin: germline.
Comment: This sequence change creates a premature translational stop signal (p.Glu130*) in the COL2A1 gene. It is expected to result in an absent or disrupted protein product. Loss-of-function variants in COL2A1 are known to be pathogenic (PMID: 20179744). This variant is not present in population databases (gnomAD no frequency). This variant has not been reported in the literature in individuals affected with COL2A1-related conditions. ClinVar contains an entry for this variant (Variation ID: 1709946). For these reasons, this variant has been classified as Pathogenic.

MGZ Medical Genetics Center
Classification: Likely pathogenic for Stickler syndrome type 1. Last evaluated: 2021-09-06. Review status: criteria provided, single submitter. Criteria: ACMG Guidelines, 2015. Collection method: clinical testing. Allele origin: germline. Affected: yes. Observed: 1 variant allele.
Comment: ACMG criteria applied: PVS1, PM2_SUP

Literature cited by the submitters: PubMed 20179744 (cited by Labcorp Genetics (formerly Invitae), Labcorp).

NM_001844.5(COL2A1):c.388G>T (p.Glu130Ter)

Gene: COL2A1 (collagen type II alpha 1 chain; minus strand). Cytogenetic location: 12q13.11.
Variant type: single nucleotide variant.
Coding change: c.388G>T on transcript NM_001844.5 (MANE Select); coding-DNA position 388, G replaced by T.
Protein change: p.Glu130Ter; replaces glutamic acid 130 with a stop codon.
Molecular consequence: nonsense.
Genome position (GRCh38, 1-based): chr12:47,997,912, C>A on the plus strand (G>T on the coding strand, the complement: COL2A1 is on the minus strand). VCF-style: chr12-47997912-C-A. GRCh37 (hg19) VCF-style: chr12-48391695-C-A.
Other names: c.181G>T, p.Glu61Ter (NM_033150.3); short protein forms E130*, E61*.
Identifiers: ClinVar variation 1709946 (VCV001709946.4), dbSNP rs375448469, ClinGen allele CA384525025.
Genomic context (GRCh38, chr12:47,997,912, plus strand): 5'-AGCATTGCTTTTTACTCACTTTTTCACCTTTGTCACCACGATCCCCTCTGGGTCCTTGTT[C>A]CCCTGCAGGTCCCTGAAGGTGAAGAACATGGTAAGATGACAGCAAGGCCAGGAGCCTGCA-3'